The following is an entry in ClinVar:

NM_001530.4(HIF1A):c.1384_1389del (p.Leu462_Arg463del)

Genes: HIF1A (hypoxia inducible factor 1 subunit alpha; plus strand), HIF1A-AS3 (HIF1A antisense RNA 3; minus strand). Cytogenetic location: 14q23.2.
Variant type: Deletion.
Coding change: c.1384_1389del on transcript NM_001530.4 (MANE Select); coding-DNA positions 1384 to 1389, 6 bases deleted (CTTCGA; older notation c.1384_1389delCTTCGA).
Protein change: p.Leu462_Arg463del.
Molecular consequence: inframe deletion.
Genome position (GRCh38, 1-based): chr14:61,738,221-61,738,226, CTTCGA deleted; deleting any 6 consecutive bases within chr14:61,738,220-61,738,226 gives the same sequence; the c. name uses the placement nearest the transcript's 3' end. VCF-style (leftmost placement, unchanged base first): chr14-61738219-CACTTCG-C. GRCh37 (hg19) VCF-style: chr14-62204937-CACTTCG-C.
Other names: p.Leu462_Arg463del; c.1456_1461del, p.Leu486_Arg487del (NM_001243084.2); c.1384_1389del, p.Leu462_Arg463del (NM_181054.3).
Identifiers: ClinVar variation 4541835 (VCV004541835.1).
Genomic context (GRCh38, chr14:61,738,219, plus strand): 5'-AAAAATTACAGAATATAAATTTGGCAATGTCTCCATTACCCACCGCTGAAACGCCAAAGC[CACTTCG>C]AAGTAGTGCTGACCCTGCACTCAATCAAGAAGTTGCATTAAAATTAGAACCAAATCCAGA-3'

ClinVar aggregate classification (germline): Uncertain significance (1 of 4 stars; one submission).

Submission:

Mayo Clinic Laboratories, Mayo Clinic
Classification: Uncertain significance. Last evaluated: 2024-12-05. Review status: criteria provided, single submitter. Criteria: ACMG Guidelines, 2015. Collection method: clinical testing. Allele origin: germline. Observed: 1 variant allele.
Comment: PM2_supporting, PM4